The following is an entry in ClinVar:

ClinVar aggregate classification (germline): Uncertain significance (1 of 4 stars; one submission).

Conditions:
Muscular dystrophy-dystroglycanopathy type B6 (MDDGB6). Also called: MUSCULAR DYSTROPHY, CONGENITAL, LARGE-RELATED; MUSCULAR DYSTROPHY, CONGENITAL, TYPE 1D; MUSCULAR DYSTROPHY-DYSTROGLYCANOPATHY (CONGENITAL WITH IMPAIRED INTELLECTUAL DEVELOPMENT), TYPE B, 6. Identifiers: MedGen C1837229, MONDO:0012138, OMIM 608840.

Submission:

Labcorp Genetics (formerly Invitae), Labcorp
Classification: Uncertain significance for Muscular dystrophy-dystroglycanopathy type B6. Last evaluated: 2020-12-19. Review status: criteria provided, single submitter. Criteria: Invitae Variant Classification Sherloc (09022015). Collection method: clinical testing. Allele origin: germline.
Comment: This sequence change replaces aspartic acid with glutamic acid at codon 334 of the LARGE1 protein (p.Asp334Glu). The aspartic acid residue is highly conserved and there is a small physicochemical difference between aspartic acid and glutamic acid. This variant is not present in population databases (ExAC no frequency). This variant has not been reported in the literature in individuals with LARGE1-related conditions. Algorithms developed to predict the effect of missense changes on protein structure and function are either unavailable or do not agree on the potential impact of this missense change (SIFT: "Deleterious"; PolyPhen-2: "Possibly Damaging"; Align-GVGD: "Class C0"). In summary, the available evidence is currently insufficient to determine the role of this variant in disease. Therefore, it has been classified as a Variant of Uncertain Significance.

NM_133642.5(LARGE1):c.1002C>A (p.Asp334Glu)

Gene: LARGE1 (LARGE xylosyl- and glucuronyltransferase 1; minus strand). Cytogenetic location: 22q12.3.
Variant type: single nucleotide variant.
Coding change: c.1002C>A on transcript NM_133642.5 (MANE Select); coding-DNA position 1002, C replaced by A.
Protein change: p.Asp334Glu; replaces aspartic acid 334 with glutamic acid.
Molecular consequence: missense variant.
Genome position (GRCh38, 1-based): chr22:33,384,195, G>T on the plus strand (C>A on the coding strand, the complement: LARGE1 is on the minus strand). VCF-style: chr22-33384195-G-T. GRCh37 (hg19) VCF-style: chr22-33780181-G-T.
Other names: c.1002C>A, p.Asp334Glu (NM_001362949.2, NM_001362951.2, NM_001362953.2 and 7 more transcripts); c.399C>A, p.Asp133Glu (NM_001378630.1, NM_001378631.1); short protein forms D133E, D334E.
Identifiers: ClinVar variation 1495055 (VCV001495055.8), dbSNP rs2147134497, ClinGen allele CA411545026.
Genomic context (GRCh38, chr22:33,384,195, plus strand): 5'-GAGAAACAGCACCAAGCACACTCAGGAATAGCTGCACCTTCGAACCTGGCCACTCACCTG[G>T]TCAGCTAAGGATGTAGAGAGCATGCCCATGAGCTCCCTCTCTGCGGTCAGCCTCCACATC-3'
Protein context (NP_598397.1, residues 324-344): LMGMLSTSLA[Asp334Glu]QDIFNAVIKQ